The following is an entry in ClinVar:

NM_004183.4(BEST1):c.943T>G (p.Leu315Val)

Gene: BEST1 (bestrophin 1; plus strand). Cytogenetic location: 11q12.3.
Variant type: single nucleotide variant.
Coding change: c.943T>G on transcript NM_004183.4 (MANE Select); coding-DNA position 943, T replaced by G.
Protein change: p.Leu315Val; replaces leucine 315 with valine.
Molecular consequence: missense variant. On other transcripts: 5 prime UTR variant (1), non-coding transcript variant (1), intron variant (4).
Genome position (GRCh38, 1-based): chr11:61,959,573, T>G. VCF-style: chr11-61959573-T-G. GRCh37 (hg19) VCF-style: chr11-61727045-T-G.
Other names: c.763T>G, p.Leu255Val (NM_001139443.3, NM_001300787.2); c.625T>G, p.Leu209Val (NM_001363591.3); c.1146T>G, p.Ile382Met (NM_001363592.2); c.-30T>G (NM_001363593.3); c.943T>G, p.Leu315Val (NM_001440571.1); c.790T>G, p.Leu264Val (NM_001440573.1); c.610T>G, p.Leu204Val (NM_001440575.1); c.868-319T>G (NM_001440572.1); and 2 more; short protein forms I382M, L204V, L209V, L255V, L264V, L315V.
Identifiers: ClinVar variation 4800409 (VCV004800409.1).

ClinVar aggregate classification (germline): Uncertain significance (1 of 4 stars; one submission).

Submission:

Labcorp Genetics (formerly Invitae), Labcorp
Classification: Uncertain significance. Last evaluated: 2025-08-29. Review status: criteria provided, single submitter. Criteria: Invitae Variant Classification Sherloc (09022015). Collection method: clinical testing. Allele origin: germline.
Comment: This sequence change replaces leucine, which is neutral and non-polar, with valine, which is neutral and non-polar, at codon 315 of the BEST1 protein (p.Leu315Val). This variant is not present in population databases (gnomAD no frequency). This variant has not been reported in the literature in individuals affected with BEST1-related conditions. Invitae Evidence Modeling of protein sequence and biophysical properties (such as structural, functional, and spatial information, amino acid conservation, physicochemical variation, residue mobility, and thermodynamic stability) indicates that this missense variant is expected to disrupt BEST1 protein function with a positive predictive value of 80%. In summary, the available evidence is currently insufficient to determine the role of this variant in disease. Therefore, it has been classified as a Variant of Uncertain Significance.